The following is an entry in ClinVar:

ClinVar aggregate classification (germline): Likely benign. Review status: criteria provided, multiple submitters, no conflicts (2 of 4 stars). 4 submissions from 4 submitters: Likely benign (4). Last evaluated 2025-12-24.

Conditions:
COL2A1-related disorder. Also called: COL2A1-related condition; COL2A1-related disorders.

Allele frequency attached by ClinVar (database versions not stated): gnomAD 0.00013; 1000 Genomes Project 30x 0.00016; 1000 Genomes Project 0.00020; ESP Exome Variant Server 0.00024; TOPMed 0.00037.
gnomAD v4.1: 92 of 1,613,586 alleles (0.0057%); highest among the groups gnomAD compares: African/African-American, 0.1%; no homozygotes.

Submissions (4):

Labcorp Genetics (formerly Invitae), Labcorp
Classification: Likely benign. Last evaluated: 2025-12-24. Review status: criteria provided, single submitter. Criteria: Invitae Variant Classification Sherloc (09022015). Collection method: clinical testing. Allele origin: germline.

PreventionGenetics, part of Exact Sciences
Classification: Likely benign for COL2A1-related condition. Last evaluated: 2024-11-20. Review status: criteria provided, single submitter. Criteria: ACMG Guidelines, 2015. Collection method: clinical testing. Allele origin: germline.
Comment: This variant is classified as likely benign based on ACMG/AMP sequence variant interpretation guidelines (Richards et al. 2015 PMID: 25741868, with internal and published modifications).

Blueprint Genetics
Classification: Likely benign. Last evaluated: 2021-10-13. Review status: criteria provided, single submitter. Criteria: ACMG Guidelines, 2015. Collection method: clinical testing. Allele origin: germline.

GeneDx
Classification: Likely benign. Last evaluated: 2021-09-23. Review status: criteria provided, single submitter. Criteria: GeneDx Variant Classification Process June 2021. Collection method: clinical testing. Allele origin: germline. Affected: yes.

NM_001844.5(COL2A1):c.135T>C (p.Asp45=)

Gene: COL2A1 (collagen type II alpha 1 chain; minus strand). Cytogenetic location: 12q13.11.
Variant type: single nucleotide variant.
Coding change: c.135T>C on transcript NM_001844.5 (MANE Select); coding-DNA position 135, T replaced by C.
Protein change: p.Asp45=; no amino-acid change (aspartic acid 45 retained).
Molecular consequence: synonymous variant. On other transcripts: intron variant (1).
Genome position (GRCh38, 1-based): chr12:48,000,076, A>G on the plus strand (T>C on the coding strand, the complement: COL2A1 is on the minus strand). VCF-style: chr12-48000076-A-G. GRCh37 (hg19) VCF-style: chr12-48393859-A-G.
Other names: c.86-1645T>C (NM_033150.3).
Identifiers: ClinVar variation 511071 (VCV000511071.16), dbSNP rs375778172, ClinGen allele CA6536088.
Genomic context (GRCh38, chr12:48,000,076, plus strand): 5'-GTCGCAGAGGACAGTCCCAGTGTCACAGACACAGATCCGGCAGGGCTCCGGCTTCCACAC[A>G]TCCTTATCATTATACCTCTGCCCATCCTGCACACAGCTGCCAGCCTCCTCTGCACCAAGG-3'
Protein context (NP_001835.3, residues 35-55): VQDGQRYNDK[Asp45=]VWKPEPCRIC